The following is an entry in ClinVar:

NM_001145648.3(RASGRF1):c.849C>T (p.His283=)

Gene: RASGRF1 (Ras protein specific guanine nucleotide releasing factor 1; minus strand). Cytogenetic location: 15q25.1.
Variant type: single nucleotide variant.
Coding change: c.849C>T on transcript NM_001145648.3 (MANE Select); coding-DNA position 849, C replaced by T.
Protein change: p.His283=; no amino-acid change (histidine 283 retained).
Molecular consequence: synonymous variant.
Genome position (GRCh38, 1-based): chr15:79,046,775, G>A on the plus strand (C>T on the coding strand, the complement: RASGRF1 is on the minus strand). VCF-style: chr15-79046775-G-A. GRCh37 (hg19) VCF-style: chr15-79339117-G-A.
Other names: c.849C>T, p.His283= (NM_002891.6).
Identifiers: ClinVar variation 2645624 (VCV002645624.24), dbSNP rs181059534, ClinGen allele CA7688974.
Genomic context (GRCh38, chr15:79,046,775, plus strand): 5'-CCTGCCTTGGCCAACCTTTAGGGGTGCTCACCTGTTCAGGAAGATGCTGCTGACGTCGTC[G>A]TGTGTGATGGGAGGCTTCTTGGAGCTGGCGGCCATCCGCAGCGGGCGCAGGAAATTGTTG-3'
Protein context (NP_001139120.1, residues 273-293): AASSKKPPIT[His283=]DDVSSIFLNS

ClinVar aggregate classification (germline): Likely benign (1 of 4 stars; one submission).

Allele frequency attached by ClinVar (database versions not stated): ExAC 0.00002; gnomAD exomes 0.00002; gnomAD 0.00015; TOPMed 0.00034; 1000 Genomes Project 0.00040; 1000 Genomes Project 30x 0.00047.
gnomAD v4.1: 60 of 1,614,248 alleles (0.0037%); highest among the groups gnomAD compares: Admixed American, 0.037%; no homozygotes.

Submission:

CeGaT Center for Human Genetics Tuebingen
Classification: Likely benign. Last evaluated: 2023-02-01. Review status: criteria provided, single submitter. Criteria: CeGaT Center For Human Genetics Tuebingen Variant Classification Criteria Version 2. Collection method: clinical testing. Allele origin: germline. Affected: yes. Observed: 1 variant allele.
Comment: RASGRF1: BP4, BP7